The following is an entry in ClinVar:

ClinVar aggregate classification (germline): Likely benign (1 of 4 stars; one submission).

gnomAD v4.1: 2,498 of 1,613,300 alleles (0.15%); highest among the groups gnomAD compares: Non-Finnish European, 0.2%; 6 homozygotes.

Submission:

CeGaT Center for Human Genetics Tuebingen
Classification: Likely benign. Last evaluated: 2025-12-01. Review status: criteria provided, single submitter. Criteria: CeGaT Center For Human Genetics Tuebingen Variant Classification Criteria Version 2. Collection method: clinical testing. Allele origin: germline. Affected: yes. Observed: 2 variant alleles.
Comment: BSN: BP4, BS2

NM_003458.4(BSN):c.9919A>G (p.Ser3307Gly)

Gene: BSN (bassoon presynaptic cytomatrix protein; plus strand). Cytogenetic location: 3p21.31.
Variant type: single nucleotide variant.
Coding change: c.9919A>G on transcript NM_003458.4 (MANE Select); coding-DNA position 9919, A replaced by G.
Protein change: p.Ser3307Gly; replaces serine 3307 with glycine.
Molecular consequence: missense variant.
Genome position (GRCh38, 1-based): chr3:49,661,764, A>G. VCF-style: chr3-49661764-A-G. GRCh37 (hg19) VCF-style: chr3-49699197-A-G.
Other names: short protein forms S3307G.
Identifiers: ClinVar variation 4533488 (VCV004533488.6).